The following continues an entry in ClinVar:

NM_206933.4(USH2A):c.14453C>T (p.Pro4818Leu)

Gene: USH2A. ClinVar aggregate classification (germline): Pathogenic/Likely pathogenic. Pathogenic (7); Likely pathogenic (14).

Submissions 16 to 21 of 21:

Women's Health and Genetics/Laboratory Corporation of America, LabCorp
Classification: Pathogenic for Usher syndrome. Last evaluated: 2023-02-15. Review status: criteria provided, single submitter. Criteria: LabCorp Variant Classification Summary - May 2015. Collection method: clinical testing. Allele origin: germline.
Comment: Variant summary: USH2A c.14453C>T (p.Pro4818Leu) results in a non-conservative amino acid change located in the Fibronectin type III (IPR003961) of the encoded protein sequence, altering a highly conserved residue (HGMD). Four of five in-silico tools predict a damaging effect of the variant on protein function. The variant allele was found at a frequency of 6.4e-05 in 251372 control chromosomes. This frequency is not significantly higher than estimated for a pathogenic variant in USH2A causing Usher Syndrome (6.4e-05 vs 0.011), allowing no conclusion about variant significance. c.14453C>T has been reported in the literature in multiple individuals affected with Retinitis Pigmentosa or Usher Syndrome (Aller_2006, Garcia-Garcia_2011, Huang_2018, Jaijo_2010, Jauregui_2020, Zhao_2015), and several patients were reported as compound heterozygous with other (likely) pathogenic variants. These data indicate that the variant is very likely to be associated with disease. To our knowledge, no experimental evidence demonstrating an impact on protein function has been reported. Seven subitters have provided clinical-significance assessments for this variant to ClinVar after 2014, and all laboratories classified the variant as pathogenic/likely pathogenic. Based on the evidence outlined above, the variant was classified as pathogenic.

Ocular Genomics Institute, Massachusetts Eye and Ear
Classification: Likely pathogenic for Retinitis pigmentosa 39. Last evaluated: 2021-04-08. Review status: criteria provided, single submitter. Criteria: ACMG Guidelines, 2015. Collection method: research. Allele origin: germline. Affected: yes.
Comment: Through a review of available evidence we were able to apply the following criteria: PM2, PM3, PP1-M. Based on this evidence we have classified this variant as Likely Pathogenic.

Institute of Human Genetics, Univ. Regensburg, Univ. Regensburg
Classification: Likely pathogenic for Retinal dystrophy. Last evaluated: 2020-01-01. Review status: criteria provided, single submitter. Criteria: ACMG Guidelines, 2015. Collection method: clinical testing. Allele origin: germline. Affected: yes.

Mendelics
Classification: Likely pathogenic for Usher syndrome type 2A. Last evaluated: 2019-05-28. Review status: criteria provided, single submitter. Criteria: Mendelics Assertion Criteria 2017. Collection method: clinical testing. Allele origin: unknown.

Laboratory for Molecular Medicine, Mass General Brigham Personalized Medicine
Classification: Likely pathogenic for Rare genetic deafness. Last evaluated: 2016-12-22. Review status: criteria provided, single submitter. Criteria: LMM Criteria. Collection method: clinical testing. Allele origin: germline. Inheritance: Autosomal recessive inheritance. Observed: 1 variant allele.
Comment: The p.Pro4818Leu variant in USH2A has been reported in 5 individuals with Usher syndrome and 1 individual with retinitis pigmentosa (Aller 2006, Garcia-Garcia 2 011, Jaijo 2010, McGee 2010, Zhao 2015). Two individuals with Usher syndrome wer e confirmed to have a different truncating variant affecting the other copy of U SH2A. This variant has been identified in several populations by the Exome Aggre gation Consortium with the highest frequency of 3/16510 in South Asian chromosom es (ExAC; dbSNP rs143344549). However, this is low enough to be consistent with a recessive carrier frequency. Computational pr ediction tools and conservation analysis suggest that the p.Pro4818Leu variant m ay impact the protein. In summary, although additional studies are required to f ully establish its clinical significance, this variant is likely pathogenic for autosomal recessive Usher syndrome based on its occurrence in trans with another pathogenic variant in USH2A in multiple unrelated affected individuals.

Kariminejad - Najmabadi Pathology & Genetics Center
Classification: Likely pathogenic for Usher syndrome type 2A. Review status: criteria provided, single submitter. Criteria: ACMG Guidelines, 2015. Collection method: clinical testing. Allele origin: germline. Affected: no.

Literature cited by the submitters: PubMed 17085681 (cited by 7 submitters); PubMed 22004887 (cited by 6 submitters); PubMed 25472526 (cited by 7 submitters); PubMed 29899460 (cited by 6 submitters); PubMed 30081015 (cited by Natera, Inc. and Victorian Clinical Genetics Services, Murdoch Childrens Research Institute); PubMed 37322672 (cited by Natera, Inc.); PubMed 35672425 (cited by Natera, Inc.); PubMed 38927562 (cited by Natera, Inc.); PubMed 32098976 (cited by Victorian Clinical Genetics Services, Murdoch Childrens Research Institute and Women's Health and Genetics/Laboratory Corporation of America, LabCorp); PubMed 20301515 (cited by Victorian Clinical Genetics Services, Murdoch Childrens Research Institute); PubMed 19683999 (cited by 3 submitters); PubMed 20507924 (cited by 3 submitters); PubMed 30245926 (cited by Institute of Human Genetics, Univ. Regensburg, Univ. Regensburg); PubMed 31589614 (cited by Institute of Human Genetics, Univ. Regensburg, Univ. Regensburg); PubMed 31964843 (cited by Institute of Human Genetics, Univ. Regensburg, Univ. Regensburg); PubMed 31429209 (cited by Institute of Human Genetics, Univ. Regensburg, Univ. Regensburg); PubMed 31980526 (cited by Institute of Human Genetics, Univ. Regensburg, Univ. Regensburg); PubMed 34426522 (cited by Institute of Human Genetics, Univ. Regensburg, Univ. Regensburg).